The following is an entry in ClinVar:

NM_003051.4(SLC16A1):c.461G>A (p.Ser154Asn)

Gene: SLC16A1 (solute carrier family 16 member 1; minus strand). Cytogenetic location: 1p13.2.
Variant type: single nucleotide variant.
Coding change: c.461G>A on transcript NM_003051.4 (MANE Select); coding-DNA position 461, G replaced by A.
Protein change: p.Ser154Asn; replaces serine 154 with asparagine.
Molecular consequence: missense variant.
Genome position (GRCh38, 1-based): chr1:112,917,945, C>T on the plus strand (G>A on the coding strand, the complement: SLC16A1 is on the minus strand). VCF-style: chr1-112917945-C-T. GRCh37 (hg19) VCF-style: chr1-113460567-C-T.
Other names: c.461G>A, p.Ser154Asn (NM_001166496.2); short protein forms S154N.
Identifiers: ClinVar variation 2034974 (VCV002034974.4), dbSNP rs2525090247, ClinGen allele CA341828918.

ClinVar aggregate classification (germline): Uncertain significance (1 of 4 stars; one submission).

Submission:

Labcorp Genetics (formerly Invitae), Labcorp
Classification: Uncertain significance. Last evaluated: 2021-12-06. Review status: criteria provided, single submitter. Criteria: Invitae Variant Classification Sherloc (09022015). Collection method: clinical testing. Allele origin: germline.
Comment: In summary, the available evidence is currently insufficient to determine the role of this variant in disease. Therefore, it has been classified as a Variant of Uncertain Significance. Algorithms developed to predict the effect of missense changes on protein structure and function are either unavailable or do not agree on the potential impact of this missense change (SIFT: "Deleterious"; PolyPhen-2: "Probably Damaging"; Align-GVGD: "Class C0"). This variant has not been reported in the literature in individuals affected with SLC16A1-related conditions. This variant is not present in population databases (gnomAD no frequency). This sequence change replaces serine, which is neutral and polar, with asparagine, which is neutral and polar, at codon 154 of the SLC16A1 protein (p.Ser154Asn).